The following is an entry in ClinVar:

ClinVar aggregate classification (germline): Uncertain significance (1 of 4 stars; one submission).

Conditions:
Familial thoracic aortic aneurysm and aortic dissection (TAAD). Also called: Thoracic aortic aneurysms and dissections. Identifiers: Orphanet 91387, MedGen C4707243, MONDO:0019625.

Submission:

Labcorp Genetics (formerly Invitae), Labcorp
Classification: Uncertain significance for Familial thoracic aortic aneurysm and aortic dissection. Last evaluated: 2021-10-14. Review status: criteria provided, single submitter. Criteria: Invitae Variant Classification Sherloc (09022015). Collection method: clinical testing. Allele origin: germline.
Comment: In summary, the available evidence is currently insufficient to determine the role of this variant in disease. Therefore, it has been classified as a Variant of Uncertain Significance. Advanced modeling of protein sequence and biophysical properties (such as structural, functional, and spatial information, amino acid conservation, physicochemical variation, residue mobility, and thermodynamic stability) performed at Invitae indicates that this missense variant is expected to disrupt TGFBR2 protein function. This variant has not been reported in the literature in individuals affected with TGFBR2-related conditions. This variant is not present in population databases (ExAC no frequency). This sequence change replaces phenylalanine with leucine at codon 398 of the TGFBR2 protein (p.Phe398Leu). The phenylalanine residue is highly conserved and there is a small physicochemical difference between phenylalanine and leucine.

NM_003242.6(TGFBR2):c.1192T>C (p.Phe398Leu)

Gene: TGFBR2 (transforming growth factor beta receptor 2; plus strand). Cytogenetic location: 3p24.1.
Variant type: single nucleotide variant.
Coding change: c.1192T>C on transcript NM_003242.6 (MANE Select); coding-DNA position 1192, T replaced by C.
Protein change: p.Phe398Leu; replaces phenylalanine 398 with leucine.
Molecular consequence: missense variant.
Genome position (GRCh38, 1-based): chr3:30,672,375, T>C. VCF-style: chr3-30672375-T-C. GRCh37 (hg19) VCF-style: chr3-30713867-T-C.
Other names: c.1267T>C, p.Phe423Leu (NM_001024847.3); c.1375T>C, p.Phe459Leu (NM_001407126.1); c.1300T>C, p.Phe434Leu (NM_001407127.1); c.1219T>C, p.Phe407Leu (NM_001407128.1); c.1195T>C, p.Phe399Leu (NM_001407129.1); c.1192T>C, p.Phe398Leu (NM_001407130.1); c.1087T>C, p.Phe363Leu (NM_001407132.1, NM_001407133.1, NM_001407134.1 and 2 more transcripts); c.907T>C, p.Phe303Leu (NM_001407137.1); and 1 more; short protein forms F398L, F423L, F303L, F399L, F407L, F434L, F459L, F278L.
Identifiers: ClinVar variation 1525307 (VCV001525307.7), dbSNP rs2125436831, ClinGen allele CA351808732.
Genomic context (GRCh38, chr3:30,672,375, plus strand): 5'-AGGGACCTCAAGAGCTCCAATATCCTCGTGAAGAACGACCTAACCTGCTGCCTGTGTGAC[T>C]TTGGGCTTTCCCTGCGTCTGGACCCTACTCTGTCTGTGGATGACCTGGCTAACAGTGGGC-3'
Protein context (NP_003233.4, residues 388-408): KNDLTCCLCD[Phe398Leu]GLSLRLDPTL